The following is an entry in ClinVar:

ClinVar aggregate classification (germline): Likely benign. Review status: criteria provided, multiple submitters, no conflicts (2 of 4 stars). 4 submissions from 4 submitters: Likely benign (3). 1 of the submissions does not count toward it. Last evaluated 2024-11-25.

Conditions:
NDUFAF5-related disorder. Also called: NDUFAF5-related condition.

Allele frequency attached by ClinVar (database versions not stated): TOPMed 0.00034; gnomAD exomes 0.00036; gnomAD 0.00038 and 0.00039; ESP Exome Variant Server 0.00039; ExAC 0.00045.
gnomAD v4.1: 1,366 of 1,610,454 alleles (0.085%); highest among the groups gnomAD compares: Non-Finnish European, 0.11%; 1 homozygote.

Submissions (4):

Blueprint Genetics
Classification: Likely benign. Last evaluated: 2024-11-25. Review status: criteria provided, single submitter. Criteria: ACMG Guidelines, 2015. Collection method: clinical testing. Allele origin: germline.

CeGaT Center for Human Genetics Tuebingen
Classification: Likely benign. Last evaluated: 2024-10-01. Review status: criteria provided, single submitter. Criteria: CeGaT Center For Human Genetics Tuebingen Variant Classification Criteria Version 2. Collection method: clinical testing. Allele origin: germline. Affected: yes. Observed: 1 variant allele.
Comment: NDUFAF5: BP4

GeneDx
Classification: Likely benign. Last evaluated: 2023-04-25. Review status: criteria provided, single submitter. Criteria: GeneDx Variant Classification Process June 2021. Collection method: clinical testing. Allele origin: germline. Affected: yes.
Comment: See Variant Classification Assertion Criteria.

PreventionGenetics, part of Exact Sciences
Classification: Likely benign for NDUFAF5-related condition. Last evaluated: 2019-07-25. Review status: no assertion criteria provided. Collection method: clinical testing. Allele origin: germline. Not counted in ClinVar's aggregate classification.
Comment: This variant is classified as likely benign based on ACMG/AMP sequence variant interpretation guidelines (Richards et al. 2015 PMID: 25741868, with internal and published modifications).

NM_024120.5(NDUFAF5):c.-1G>C

Genes: NDUFAF5 (NADH:ubiquinone oxidoreductase complex assembly factor 5; plus strand), LOC130065433 (ATAC-STARR-seq lymphoblastoid active region 17552; plus strand). Cytogenetic location: 20p12.1.
Variant type: single nucleotide variant.
Coding change: c.-1G>C on transcript NM_024120.5 (MANE Select); 1 bases upstream of the start codon, G replaced by C.
Molecular consequence: 5 prime UTR variant. On other transcripts: non-coding transcript variant (7).
Genome position (GRCh38, 1-based): chr20:13,785,068, G>C. VCF-style: chr20-13785068-G-C. GRCh37 (hg19) VCF-style: chr20-13765714-G-C.
Other names: c.-1G>C (NM_001039375.3, NM_001352408.2); c.-368G>C (NM_001352403.2); c.-582G>C (NM_001352406.2); c.-696G>C (NM_001352407.2).
Identifiers: ClinVar variation 214195 (VCV000214195.21), dbSNP rs113590461, ClinGen allele CA324776.